The following is an entry in ClinVar:

NM_000090.4(COL3A1):c.1071G>C (p.Gly357=)

Gene: COL3A1 (collagen type III alpha 1 chain; plus strand). Cytogenetic location: 2q32.2.
Variant type: single nucleotide variant.
Coding change: c.1071G>C on transcript NM_000090.4 (MANE Select); coding-DNA position 1071, G replaced by C.
Protein change: p.Gly357=; no amino-acid change (glycine 357 retained).
Molecular consequence: synonymous variant.
Genome position (GRCh38, 1-based): chr2:188,993,381, G>C. VCF-style: chr2-188993381-G-C. GRCh37 (hg19) VCF-style: chr2-189858107-G-C.
Identifiers: ClinVar variation 921840 (VCV000921840.8), dbSNP rs373908002, ClinGen allele CA073791.

ClinVar aggregate classification (germline): Likely benign. Review status: criteria provided, multiple submitters, no conflicts (2 of 4 stars). 3 submissions from 3 submitters: Likely benign (3). Last evaluated 2023-05-16.

Conditions:
Ehlers-Danlos syndrome, type 4 (EDSVASC). Also called: Ehlers-Danlos Syndrome Type IV; Ehlers-Danlos syndrome vascular type; Ehlers Danlos syndrome, ecchymotic type; Ehlers Danlos syndrome, arterial type; Ehlers Danlos syndrome, Sack-Barabas type. Identifiers: Orphanet 286, MedGen C0268338, MONDO:0017314, OMIM 130050.
Familial thoracic aortic aneurysm and aortic dissection (TAAD). Also called: Thoracic aortic aneurysms and dissections. Identifiers: Orphanet 91387, MedGen C4707243, MONDO:0019625.

Allele frequency attached by ClinVar (database versions not stated): ExAC 0.00004; gnomAD exomes 0.00004.
gnomAD v4.1: 15 of 1,570,664 alleles (0.00096%); highest among the groups gnomAD compares: South Asian, 0.018%; no homozygotes.

Submissions (3):

All of Us Research Program, National Institutes of Health
Classification: Likely benign for Ehlers-Danlos syndrome, type 4. Last evaluated: 2023-05-16. Review status: criteria provided, single submitter. Criteria: ACMG Guidelines, 2015. Collection method: clinical testing. Allele origin: germline. Inheritance: Autosomal dominant inheritance. Observed: 1 variant allele, 1 heterozygote.
Comment: This study involves interpretation of variants in research participants for the purpose of population health screening. Participant phenotype was not available at the time of variant classification. Additional details can be found in publication PMID: 35346344, PMCID: PMC8962531

Labcorp Genetics (formerly Invitae), Labcorp
Classification: Likely benign for Ehlers-Danlos syndrome, type 4. Last evaluated: 2023-04-14. Review status: criteria provided, single submitter. Criteria: Invitae Variant Classification Sherloc (09022015). Collection method: clinical testing. Allele origin: germline.

Color Diagnostics, LLC DBA Color Health
Classification: Likely benign for Familial thoracic aortic aneurysm and aortic dissection. Last evaluated: 2019-11-15. Review status: criteria provided, single submitter. Criteria: ACMG Guidelines, 2015. Collection method: clinical testing. Allele origin: germline.